The following is an entry in ClinVar:

NM_001042492.3(NF1):c.4370A>G (p.Lys1457Arg)

Gene: NF1 (neurofibromin 1; plus strand). Cytogenetic location: 17q11.2.
Variant type: single nucleotide variant.
Coding change: c.4370A>G on transcript NM_001042492.3 (MANE Select); coding-DNA position 4370, A replaced by G.
Protein change: p.Lys1457Arg; replaces lysine 1457 with arginine.
Molecular consequence: missense variant.
Genome position (GRCh38, 1-based): chr17:31,259,069, A>G. VCF-style: chr17-31259069-A-G. GRCh37 (hg19) VCF-style: chr17-29586087-A-G.
Other names: p.Lys1436Arg; c.4307A>G, p.Lys1436Arg (NM_000267.4); short protein forms K1436R, K1457R.
Identifiers: ClinVar variation 484060 (VCV000484060.12), dbSNP rs1555618656, ClinGen allele CA398998804.

ClinVar aggregate classification (germline): Pathogenic/Likely pathogenic. Review status: criteria provided, multiple submitters, no conflicts (2 of 4 stars). 3 submissions from 3 submitters: Pathogenic (1); Likely pathogenic (2). Last evaluated 2026-04-30.

Conditions:
Hereditary cancer-predisposing syndrome. Also called: Tumor predisposition; Hereditary neoplastic syndrome; Neoplastic Syndromes, Hereditary; Hereditary Cancer Syndrome. Identifiers: Orphanet 140162, MedGen C0027672, MeSH D009386, MONDO:0015356.
Cardiovascular phenotype. Identifiers: MedGen CN230736.
Neurofibromatosis, type 1 (NF1). Also called: Neurofibromatosis, type I; VON RECKLINGHAUSEN DISEASE; NEUROFIBROMATOSIS, TYPE I, SOMATIC; Peripheral type neurofibromatosis. Identifiers: Orphanet 636, MedGen C0027831, MONDO:0018975, OMIM 162200. Disease mechanism: loss of function.

Submissions (3):

Ambry Genetics
Classification: Likely pathogenic for Cardiovascular phenotype; Hereditary cancer-predisposing syndrome. Last evaluated: 2026-04-30. Review status: criteria provided, single submitter. Criteria: Ambry Variant Classification Scheme 2023. Collection method: clinical testing. Allele origin: germline.
Comment: The p.K1436R variant (also known as c.4307A>G), located in coding exon 32 of the NF1 gene, results from an A to G substitution at nucleotide position 4307. The lysine at codon 1436 is replaced by arginine, an amino acid with highly similar properties. Functional studies have shown this variant to have altered binding affinity and significant reduction in catalytic activity (Ahmadian MR et al. J. Mol. Biol. 2003 Jun;329:699-710). Based on internal structural analysis, this variant is anticipated to result in disruption of a known structural motif (Scheffzek K et al. EMBO J. 1998 Aug;17:4313-27). While this exact alteration has not been previously reported, two other alterations at the same codon (p.K1436E and p.K1436Q) have been reported in individuals diagnosed with NF1 (Thomas L et al. Hum. Mutat. 2012 Dec;33:1687-96; Valero MC et al. J Mol Diagn. 2011 Mar;13:113-22; Sabbagh A et al. Hum. Mutat. 2013 Nov;34:1510-8). This amino acid position is highly conserved in available vertebrate species. In addition, this alteration is predicted to be deleterious by in silico analysis. Based on the majority of available evidence to date, this variant is likely to be pathogenic.

Labcorp Genetics (formerly Invitae), Labcorp
Classification: Pathogenic for Neurofibromatosis, type 1. Last evaluated: 2025-09-02. Review status: criteria provided, single submitter. Criteria: Invitae Variant Classification Sherloc (09022015). Collection method: clinical testing. Allele origin: germline.
Comment: This sequence change replaces lysine, which is basic and polar, with arginine, which is basic and polar, at codon 1436 of the NF1 protein (p.Lys1436Arg). This variant is not present in population databases (gnomAD no frequency). This missense change has been observed in individuals with clinical features of NF1-related conditions (PMID: 33149276; internal data). This variant is also known as c.4370A>G (p.Lys1457Arg). ClinVar contains an entry for this variant (Variation ID: 484060). Invitae Evidence Modeling of protein sequence and biophysical properties (such as structural, functional, and spatial information, amino acid conservation, physicochemical variation, residue mobility, and thermodynamic stability) indicates that this missense variant is expected to disrupt NF1 protein function with a positive predictive value of 95%. Experimental studies have shown that this missense change affects NF1 function (PMID: 8628317, 12787671). This variant disrupts the p.Lys1436 amino acid residue in NF1. Other variant(s) that disrupt this residue have been determined to be pathogenic (PMID: 21354044, 23913538, 24789688). This suggests that this residue is clinically significant, and that variants that disrupt this residue are likely to be disease-causing. For these reasons, this variant has been classified as Pathogenic.

Mayo Clinic Laboratories, Mayo Clinic
Classification: Likely pathogenic. Last evaluated: 2025-07-11. Review status: criteria provided, single submitter. Criteria: ACMG Guidelines, 2015. Collection method: clinical testing. Allele origin: germline. Observed: 1 variant allele.
Comment: PP2, PP3, PP4, PM2_supporting, PM5

Literature cited by the submitters: PubMed 12787671 (cited by 3 submitters); PubMed 16380919 (cited by Ambry Genetics); PubMed 21354044 (cited by Ambry Genetics and Labcorp Genetics (formerly Invitae), Labcorp); PubMed 22807134 (cited by Ambry Genetics); PubMed 23913538 (cited by Ambry Genetics and Labcorp Genetics (formerly Invitae), Labcorp); PubMed 8628317 (cited by 3 submitters); PubMed 9687500 (cited by Ambry Genetics); PubMed 33149276 (cited by Labcorp Genetics (formerly Invitae), Labcorp); PubMed 24789688 (cited by Labcorp Genetics (formerly Invitae), Labcorp).